The following is an entry in ClinVar:

NM_001083962.2(TCF4):c.-160CGG[8]

Gene: TCF4 (transcription factor 4; minus strand). Cytogenetic location: 18q21.2.
Variant type: Microsatellite.
Coding change: c.-160CGG[8] on transcript NM_001083962.2 (MANE Select); eight copies in a row of the 3-base unit CGG starting at c.-160; the reference has seven copies in a row; one copy, 3 bases duplicated.
Molecular consequence: 5 prime UTR variant. On other transcripts: intron variant (14).
Genome position (GRCh38, 1-based): chr18:55,588,157-55,588,159, CCG duplicated on the plus strand (CGG on the coding strand, the reverse complement: TCF4 is on the minus strand); duplicating any 3 consecutive bases within chr18:55,588,157-55,588,179 gives the same sequence; the position shown is the placement nearest the transcript's 3' end. VCF-style (leftmost placement, unchanged base first): chr18-55588156-C-CCCG. GRCh37 (hg19) VCF-style: chr18-53255387-C-CCCG.
Other names: c.-160CGG[8] (NM_001330604.3, NM_001369570.1, NM_001369573.1 and 2 more transcripts); c.-140CGG[8] (NM_001369575.1, NM_001369578.1, NM_001369579.1 and 2 more transcripts); c.287-1041CGG[8] (NM_001243226.3); c.-1+1120CGG[8] (NM_001369584.1, NM_001369576.1, NM_001369577.1 and 3 more transcripts); c.-20-1041CGG[8] (NM_001369571.1, NM_001369567.1, NM_001243228.2); c.66+293CGG[8] (NM_001243230.2); c.-21+293CGG[8] (NM_001369569.1, NM_001369572.1, NM_001369568.1).
Identifiers: ClinVar variation 327309 (VCV000327309.29), dbSNP rs886053961, ClinGen allele CA10647875.
Genomic context (GRCh38, chr18:55,588,156, plus strand): 5'-CTAACCGCCGCCGCCACCGCCGCCGCCTGCTCCTGCGCCCGCTCCCGCGCCTGCTGCCTC[C>CCCG]CCGCCGCCGCCGCCGCCGCCGCCACTACAGATCCGCAGACACACAGCCAAGATCCCTGAC-3'

ClinVar aggregate classification (germline): Benign (1 of 4 stars; one submission).

Submission:

CeGaT Center for Human Genetics Tuebingen
Classification: Benign. Last evaluated: 2022-06-01. Review status: criteria provided, single submitter. Criteria: CeGaT Center For Human Genetics Tuebingen Variant Classification Criteria Version 2. Collection method: clinical testing. Allele origin: germline. Affected: yes. Observed: 1 variant allele.
Comment: TCF4: BS1, BS2